The following is an entry in ClinVar:

NM_002016.2(FLG):c.7082G>A (p.Arg2361Gln)

Genes: CCDST (cervical cancer associated DHX9 suppressive transcript; plus strand), FLG (filaggrin; minus strand). Cytogenetic location: 1q21.3.
Variant type: single nucleotide variant.
Coding change: c.7082G>A on transcript NM_002016.2 (MANE Select); coding-DNA position 7082, G replaced by A.
Protein change: p.Arg2361Gln; replaces arginine 2361 with glutamine.
Molecular consequence: missense variant.
Genome position (GRCh38, 1-based): chr1:152,307,804, C>T on the plus strand (G>A on the coding strand, the complement: FLG is on the minus strand). VCF-style: chr1-152307804-C-T. GRCh37 (hg19) VCF-style: chr1-152280280-C-T.
Other names: c.7082G>A (NM_002016.1); short protein forms R2361Q.
Identifiers: ClinVar variation 1049565 (VCV001049565.2), dbSNP rs1457150766, ClinGen allele CA342049328.

ClinVar aggregate classification (germline): Likely benign. Review status: criteria provided, single submitter (1 of 4 stars). 2 submissions from 2 submitters: Likely benign (1). 1 of the submissions does not count toward it. Last evaluated 2025-02-19.

Conditions:
Inborn genetic diseases. Identifiers: MedGen C0950123, MeSH D030342.

Allele frequency attached by ClinVar (database versions not stated): gnomAD exomes 0.00001 and 0.00002; TOPMed 0.00002.

Submissions (2):

Ambry Genetics
Classification: Likely benign for Inborn genetic diseases. Last evaluated: 2025-02-19. Review status: criteria provided, single submitter. Criteria: Ambry Variant Classification Scheme 2023. Collection method: clinical testing. Allele origin: germline.

Department of Pathology and Laboratory Medicine, Sinai Health System
Classification: Likely benign. Review status: no assertion criteria provided. Collection method: clinical testing. Allele origin: unknown. Affected: yes. Study: The Canadian Open Genetics Repository (COGR). Not counted in ClinVar's aggregate classification.
Comment: The FLG p.Arg2361Gln variant was not identified in the literature nor was it identified in ClinVar, Cosmic or LOVD 3.0. The variant was identified in dbSNP (ID: rs1457150766) and in control databases in 4 of 244458 chromosomes at a frequency of 0.000016 (Genome Aggregation Database Feb 27, 2017). The variant was observed in the following populations: East Asian in 2 of 17236 chromosomes (freq: 0.000116), Latino in 1 of 33580 chromosomes (freq: 0.00003) and European (Non-Finnish) in 1 of 110588 chromosomes (freq: 0.000009), while the variant was not observed in the African, Ashkenazi Jewish, European (Finnish), Other, and South Asian populations. The p.Arg2361 residue is not conserved in mammals and computational analyses (PolyPhen-2, SIFT, AlignGVGD, BLOSUM, MutationTaster) do not suggest a high likelihood of impact to the protein; however, this information is not predictive enough to rule out pathogenicity. The variant occurs outside of the splicing consensus sequence and in silico or computational prediction software programs (SpliceSiteFinder, MaxEntScan, NNSPLICE, GeneSplicer) do not predict a difference in splicing. In summary, based on the above information the clinical significance of this variant cannot be determined with certainty at this time although we would lean towards a more benign role for this variant. This variant is classified as likely benign.